The following is an entry in ClinVar:

NM_000179.3(MSH6):c.3958G>C (p.Ala1320Pro)

Gene: MSH6 (mutS homolog 6; plus strand). Cytogenetic location: 2p16.3.
Variant type: single nucleotide variant.
Coding change: c.3958G>C on transcript NM_000179.3 (MANE Select); coding-DNA position 3958, G replaced by C.
Protein change: p.Ala1320Pro; replaces alanine 1320 with proline.
Molecular consequence: missense variant.
Genome position (GRCh38, 1-based): chr2:47,806,608, G>C. VCF-style: chr2-47806608-G-C. GRCh37 (hg19) VCF-style: chr2-48033747-G-C.
Other names: c.3568G>C, p.Ala1190Pro (NM_001281492.2); c.3052G>C, p.Ala1018Pro (NM_001281493.2, NM_001281494.2); short protein forms A1320P, A1018P, A1190P.
Identifiers: ClinVar variation 569833 (VCV000569833.8), dbSNP rs376300764, ClinGen allele CA346761539.
Genomic context (GRCh38, chr2:47,806,608, plus strand): 5'-TTTAATGCAGCAAGGCTTGCTAATCTCCCAGAGGAAGTTATTCAAAAGGGACATAGAAAA[G>C]CAAGAGAATTTGAGAAGATGAATCAGTCACTACGATTATTTCGGTAACTAACTAACTATA-3'
Protein context (NP_000170.1, residues 1310-1330): EEVIQKGHRK[Ala1320Pro]REFEKMNQSL

ClinVar aggregate classification (germline): Uncertain significance. Review status: criteria provided, multiple submitters, no conflicts (2 of 4 stars). 2 submissions from 2 submitters: Uncertain significance (2). Last evaluated 2026-01-13.

Conditions:
Hereditary nonpolyposis colorectal neoplasms. Identifiers: MedGen C0009405, MeSH D003123.
Hereditary cancer-predisposing syndrome. Also called: Neoplastic Syndromes, Hereditary; Hereditary neoplastic syndrome; Tumor predisposition; Hereditary Cancer Syndrome. Identifiers: Orphanet 140162, MedGen C0027672, MeSH D009386, MONDO:0015356.

Submissions (2):

Ambry Genetics
Classification: Uncertain significance for Hereditary cancer-predisposing syndrome. Last evaluated: 2026-01-13. Review status: criteria provided, single submitter. Criteria: Ambry Variant Classification Scheme 2023. Collection method: clinical testing. Allele origin: germline.
Comment: The p.A1320P variant (also known as c.3958G>C), located in coding exon 9 of the MSH6 gene, results from a G to C substitution at nucleotide position 3958. The alanine at codon 1320 is replaced by proline, an amino acid with highly similar properties. This amino acid position is conserved. In addition, this alteration is predicted to be deleterious by in silico analysis. Based on the available evidence, the clinical significance of this variant remains unclear.

Labcorp Genetics (formerly Invitae), Labcorp
Classification: Uncertain significance for Hereditary nonpolyposis colorectal neoplasms. Last evaluated: 2022-02-18. Review status: criteria provided, single submitter. Criteria: Invitae Variant Classification Sherloc (09022015). Collection method: clinical testing. Allele origin: germline.
Comment: ClinVar contains an entry for this variant (Variation ID: 569833). This sequence change replaces alanine, which is neutral and non-polar, with proline, which is neutral and non-polar, at codon 1320 of the MSH6 protein (p.Ala1320Pro). This variant is not present in population databases (gnomAD no frequency). This variant has not been reported in the literature in individuals affected with MSH6-related conditions. Algorithms developed to predict the effect of missense changes on protein structure and function are either unavailable or do not agree on the potential impact of this missense change (SIFT: "Deleterious"; PolyPhen-2: "Probably Damaging"; Align-GVGD: "Class C0"). In summary, the available evidence is currently insufficient to determine the role of this variant in disease. Therefore, it has been classified as a Variant of Uncertain Significance.